The following is an entry in ClinVar:

NM_005787.6(ALG3):c.749T>A (p.Leu250Gln)

Gene: ALG3 (ALG3 alpha-1,3- mannosyltransferase; minus strand). Cytogenetic location: 3q27.1.
Variant type: single nucleotide variant.
Coding change: c.749T>A on transcript NM_005787.6 (MANE Select); coding-DNA position 749, T replaced by A.
Protein change: p.Leu250Gln; replaces leucine 250 with glutamine.
Molecular consequence: missense variant. On other transcripts: non-coding transcript variant (2).
Genome position (GRCh38, 1-based): chr3:184,243,974, A>T on the plus strand (T>A on the coding strand, the complement: ALG3 is on the minus strand). VCF-style: chr3-184243974-A-T. GRCh37 (hg19) VCF-style: chr3-183961762-A-T.
Other names: c.605T>A, p.Leu202Gln (NM_001006941.2); short protein forms L202Q, L250Q.
Identifiers: ClinVar variation 1184847 (VCV001184847.4), dbSNP rs2108440795, ClinGen allele CA355419258.

ClinVar aggregate classification (germline): Uncertain significance. Review status: criteria provided, single submitter (1 of 4 stars). 2 submissions from 2 submitters: Uncertain significance (1). 1 of the submissions does not count toward it. Last evaluated 2023-02-14.

Conditions:
ALG3-congenital disorder of glycosylation. Also called: CONGENITAL DISORDER OF GLYCOSYLATION, TYPE Id; CDG Id; ALG3-CDG; CARBOHYDRATE-DEFICIENT GLYCOPROTEIN SYNDROME, TYPE IV; CDGS, TYPE IV. Identifiers: Orphanet 79321, MedGen C1832736, MONDO:0010998, OMIM 601110.

Submissions (2):

Labcorp Genetics (formerly Invitae), Labcorp
Classification: Uncertain significance for ALG3-congenital disorder of glycosylation. Last evaluated: 2023-02-14. Review status: criteria provided, single submitter. Criteria: Invitae Variant Classification Sherloc (09022015). Collection method: clinical testing. Allele origin: germline.
Comment: Advanced modeling of protein sequence and biophysical properties (such as structural, functional, and spatial information, amino acid conservation, physicochemical variation, residue mobility, and thermodynamic stability) performed at Invitae indicates that this missense variant is expected to disrupt ALG3 protein function. This sequence change replaces leucine, which is neutral and non-polar, with glutamine, which is neutral and polar, at codon 250 of the ALG3 protein (p.Leu250Gln). This variant is not present in population databases (gnomAD no frequency). This missense change has been observed in individual(s) with congenital disorder of glycosylation type 1 (PMID: 33583022). ClinVar contains an entry for this variant (Variation ID: 1184847). In summary, the available evidence is currently insufficient to determine the role of this variant in disease. Therefore, it has been classified as a Variant of Uncertain Significance.

University of Washington Center for Mendelian Genomics, University of Washington
Classification: Pathogenic for ALG3-congenital disorder of glycosylation. Review status: no assertion criteria provided. Collection method: research. Allele origin: inherited. Affected: yes. Not counted in ClinVar's aggregate classification.

Literature cited by the submitters: PubMed 33583022 (cited by Labcorp Genetics (formerly Invitae), Labcorp and University of Washington Center for Mendelian Genomics, University of Washington).